The following is an entry in ClinVar:

NM_014339.6(IL17RA):c.-126C>G

Genes: IL17RA (interleukin 17 receptor A; plus strand), LOC130066893 (ATAC-STARR-seq lymphoblastoid silent region 13429; plus strand). Cytogenetic location: 22q11.1.
Variant type: single nucleotide variant.
Coding change: c.-126C>G on transcript NM_014339.6; 126 bases upstream of the start codon, C replaced by G.
Genome position (GRCh38, 1-based): chr22:17,084,966, C>G. VCF-style: chr22-17084966-C-G. GRCh37 (hg19) VCF-style: chr22-17565856-C-G.
Identifiers: ClinVar variation 340554 (VCV000340554.7), dbSNP rs562165706, ClinGen allele CA10653757.

ClinVar aggregate classification (germline): Benign (1 of 4 stars; one submission).

Conditions:
Immunodeficiency 51 (IMD51). Also called: CANDIDIASIS, FAMILIAL, 5. Identifiers: Orphanet 1334, MedGen C4310803, MONDO:0013500, OMIM 613953.

Allele frequency attached by ClinVar (database versions not stated): 1000 Genomes Project 0.00559; 1000 Genomes Project 30x 0.00578; TOPMed 0.00601.

Submission:

Illumina Laboratory Services, Illumina
Classification: Benign for Immunodeficiency 51. Last evaluated: 2018-01-13. Review status: criteria provided, single submitter. Criteria: ICSL Variant Classification Criteria 13 December 2019. Collection method: clinical testing. Allele origin: germline.
Comment: This variant was observed in the ICSL laboratory as part of a predisposition screen in an ostensibly healthy population. It had not been previously curated by ICSL or reported in the Human Gene Mutation Database (HGMD: prior to June 1st, 2018), and was therefore a candidate for classification through an automated scoring system. Utilizing variant allele frequency, disease prevalence and penetrance estimates, and inheritance mode, an automated score was calculated to assess if this variant is too frequent to cause the disease. Based on the score and internal cut-off values, a variant classified as benign is not then subjected to further curation. The score for this variant resulted in a classification of benign for this disease.